The following is an entry in ClinVar:

NM_001384140.1(PCDH15):c.4308GCC[7] (p.Pro1443_Gly1444insProPro)

Gene: PCDH15 (protocadherin related 15; minus strand). Cytogenetic location: 10q21.1.
Variant type: Microsatellite.
Coding change: c.4308GCC[7] on transcript NM_001384140.1 (MANE Select); seven copies in a row of the 3-base unit GCC starting at c.4308; the reference has five copies in a row; two copies, 6 bases duplicated.
Protein change: p.Pro1443_Gly1444insProPro.
Molecular consequence: inframe insertion. On other transcripts: inframe indel (1).
Genome position (GRCh38, 1-based): chr10:53,827,438-53,827,443, GGCGGC duplicated on the plus strand (GCCGCC on the coding strand, the reverse complement: PCDH15 is on the minus strand); duplicating any 6 consecutive bases within chr10:53,827,438-53,827,454 gives the same sequence; the position shown is the placement nearest the transcript's 3' end. VCF-style (leftmost placement, unchanged base first): chr10-53827437-A-AGGCGGC. GRCh37 (hg19) VCF-style: chr10-55587197-A-AGGCGGC.
Other names: c.4317_4322dup (NM_033056.4); c.4323GCC[7], p.Pro1448_Gly1449insProPro (NM_001142763.2, NM_001142771.2); c.4308GCC[7], p.Pro1443_Gly1444insProPro (NM_001142764.2, NM_001142770.3, NM_001142772.2 and 3 more transcripts); c.4095GCC[7], p.Pro1372_Gly1373insProPro (NM_001142765.2); c.4299GCC[7], p.Pro1440_Gly1441insProPro (NM_001142766.2); c.4188GCC[7], p.Pro1403_Gly1404insProPro (NM_001142767.2); c.4242GCC[7], p.Pro1421_Gly1422insProPro (NM_001142768.2, NM_001354404.2); c.4342_4344CCG[7], p.Pro1455_Gly1456insProPro (NM_001142769.4); and 4 more.
Identifiers: ClinVar variation 626268 (VCV000626268.32), dbSNP rs559130985, ClinGen allele CA5505365.

ClinVar aggregate classification (germline): Benign/Likely benign. Review status: criteria provided, multiple submitters, no conflicts (2 of 4 stars). 9 submissions from 9 submitters: Benign (1); Likely benign (5). 3 of the submissions do not count toward it. Last evaluated 2026-03-01.

Conditions:
PCDH15-related disorder. Also called: PCDH15-related disorders; PCDH15-related condition.
Usher syndrome type 1F (USH1F). Also called: USHER SYNDROME, TYPE IF. Identifiers: Orphanet 231169, Orphanet 886, MedGen C1865885, MONDO:0011186, OMIM 602083.
Autosomal recessive nonsyndromic hearing loss 23. Identifiers: Orphanet 90636, MedGen C1836027, MONDO:0012293, OMIM 609533.
Usher syndrome type 1D (USH1D). Also called: USHER SYNDROME, TYPE ID. Identifiers: Orphanet 231169, Orphanet 886, MedGen C1832845, MONDO:0010984, OMIM 601067.

Submissions (9):

CeGaT Center for Human Genetics Tuebingen
Classification: Likely benign. Last evaluated: 2026-03-01. Review status: criteria provided, single submitter. Criteria: CeGaT Center For Human Genetics Tuebingen Variant Classification Criteria Version 2. Collection method: clinical testing. Allele origin: germline. Affected: yes. Observed: 1 variant allele.
Comment: PCDH15: BS1

Labcorp Genetics (formerly Invitae), Labcorp
Classification: Benign. Last evaluated: 2026-01-28. Review status: criteria provided, single submitter. Criteria: Invitae Variant Classification Sherloc (09022015). Collection method: clinical testing. Allele origin: germline.

Blueprint Genetics
Classification: Likely benign. Last evaluated: 2024-10-14. Review status: criteria provided, single submitter. Criteria: ACMG Guidelines, 2015. Collection method: clinical testing. Allele origin: germline.

Fulgent Genetics
Classification: Likely benign for Usher syndrome type 1D; Usher syndrome type 1F; Autosomal recessive nonsyndromic hearing loss 23. Last evaluated: 2022-04-18. Review status: criteria provided, single submitter. Criteria: ACMG Guidelines, 2015. Collection method: clinical testing. Allele origin: unknown.

GeneDx
Classification: Likely benign. Last evaluated: 2022-01-25. Review status: criteria provided, single submitter. Criteria: GeneDx Variant Classification Process June 2021. Collection method: clinical testing. Allele origin: germline. Affected: yes.
Comment: This variant is associated with the following publications: (PMID: 31178897, 34426522)

Laboratory for Molecular Medicine, Mass General Brigham Personalized Medicine
Classification: Likely benign. Last evaluated: 2017-08-23. Review status: criteria provided, single submitter. Criteria: LMM Criteria. Collection method: clinical testing. Allele origin: germline. Observed: 1 variant allele.
Comment: p.Pro1443_Gly1444insProPro in exon 32 of PCDH15: This variant is not expected to have clinical significance because it has been identified in 0.74% (63/8554) of East Asian chromosomes by the Exome Aggregation Consortium (ExAC; dbSNP rs559130985).

Natera, Inc.
Classification: Likely benign for Usher syndrome type 1F. Last evaluated: 2019-09-26. Review status: no assertion criteria provided. Collection method: clinical testing. Allele origin: germline. Not counted in ClinVar's aggregate classification.

PreventionGenetics, part of Exact Sciences
Classification: Benign for PCDH15-related condition. Last evaluated: 2019-09-19. Review status: no assertion criteria provided. Collection method: clinical testing. Allele origin: germline. Not counted in ClinVar's aggregate classification.
Comment: This variant is classified as benign based on ACMG/AMP sequence variant interpretation guidelines (Richards et al. 2015 PMID: 25741868, with internal and published modifications).

Biochemistry Laboratory of CDMU, Chengde Medical University
Classification: Likely pathogenic for Usher syndrome type 1F. Review status: no assertion criteria provided. Criteria: ACMG Guidelines, 2015. Collection method: case-control. Allele origin: inherited. Affected: yes. Not counted in ClinVar's aggregate classification.